The following is an entry in ClinVar:

ClinVar aggregate classification (germline): Benign. Review status: criteria provided, multiple submitters, no conflicts (2 of 4 stars). 3 submissions from 3 submitters: Benign (2). 1 of the submissions does not count toward it. Last evaluated 2026-01-19.

Conditions:
IGSF10-related disorder. Also called: IGSF10-related condition.

Allele frequency attached by ClinVar (database versions not stated): gnomAD exomes 0.01269 and 0.01059; ExAC 0.01451; gnomAD 0.02867 and 0.03020; TOPMed 0.03081; ESP Exome Variant Server 0.03314; 1000 Genomes Project 0.03335; 1000 Genomes Project 30x 0.03357.
gnomAD v4.1: 19,979 of 1,613,878 alleles (1.2%); highest among the groups gnomAD compares: African/African-American, 8%; 314 homozygotes.

Submissions (3):

Labcorp Genetics (formerly Invitae), Labcorp
Classification: Benign. Last evaluated: 2026-01-19. Review status: criteria provided, single submitter. Criteria: Invitae Variant Classification Sherloc (09022015). Collection method: clinical testing. Allele origin: germline.

Breakthrough Genomics
Classification: Benign. Review status: criteria provided, single submitter. Criteria: ACMG Guidelines, 2015. Collection method: not provided. Allele origin: germline. Inheritance: Unknown mechanism. Affected: yes.

PreventionGenetics, part of Exact Sciences
Classification: Benign for IGSF10-related condition. Last evaluated: 2019-02-20. Review status: no assertion criteria provided. Collection method: clinical testing. Allele origin: germline. Not counted in ClinVar's aggregate classification.
Comment: This variant is classified as benign based on ACMG/AMP sequence variant interpretation guidelines (Richards et al. 2015 PMID: 25741868, with internal and published modifications).

NM_178822.5(IGSF10):c.526T>C (p.Leu176=)

Gene: IGSF10 (immunoglobulin superfamily member 10; minus strand). Cytogenetic location: 3q25.1.
Variant type: single nucleotide variant.
Coding change: c.526T>C on transcript NM_178822.5 (MANE Select); coding-DNA position 526, T replaced by C.
Protein change: p.Leu176=; no amino-acid change (leucine 176 retained).
Molecular consequence: synonymous variant.
Genome position (GRCh38, 1-based): chr3:151,453,573, A>G on the plus strand (T>C on the coding strand, the complement: IGSF10 is on the minus strand). VCF-style: chr3-151453573-A-G. GRCh37 (hg19) VCF-style: chr3-151171361-A-G.
Other names: c.526T>C, p.Leu176= (NM_001385060.1, NM_001385061.1, NM_001385062.1 and 1 more transcripts); c.526T>C (NM_178822.4).
Identifiers: ClinVar variation 1662337 (VCV001662337.11), dbSNP rs35723440, ClinGen allele CA2670740.